The following is an entry in ClinVar:

NM_001060.6(TBXA2R):c.499_507dup (p.Leu169_Gly170insProLeuLeu)

Gene: TBXA2R (thromboxane A2 receptor; minus strand). Cytogenetic location: 19p13.3.
Variant type: Duplication.
Coding change: c.499_507dup on transcript NM_001060.6 (MANE Select); coding-DNA positions 499 to 507, 9 bases duplicated (CCCCTGCTG; older notation c.499_507dupCCCCTGCTG).
Protein change: p.Leu169_Gly170insProLeuLeu.
Molecular consequence: inframe insertion.
Genome position (GRCh38, 1-based): chr19:3,600,128-3,600,136, CAGCAGGGG duplicated on the plus strand (CCCCTGCTG on the coding strand, the reverse complement: TBXA2R is on the minus strand); duplicating any 9 consecutive bases within chr19:3,600,128-3,600,143 gives the same sequence; the c. name uses the placement nearest the transcript's 3' end. VCF-style (leftmost placement, unchanged base first): chr19-3600127-C-CCAGCAGGGG. GRCh37 (hg19) VCF-style: chr19-3600125-C-CCAGCAGGGG.
Other names: c.499_507dup, p.Leu169_Gly170insProLeuLeu (NM_201636.3).
Identifiers: ClinVar variation 4697106 (VCV004697106.1).
Genomic context (GRCh38, chr19:3,600,127, plus strand): 5'-CGGCGCCCAGCGTCAGGAAGCACCAGGACCCCGGGTATTGCACGGTGTAGCGACCCACGC[C>CCAGCAGGGG]CAGCAGGGGCAGCAGGCCCAGCGCCAGCGCGGCCGCCCACACCAGCCCCACGGTGGCCCA-3'

ClinVar aggregate classification (germline): Uncertain significance (1 of 4 stars; one submission).

Submission:

Labcorp Genetics (formerly Invitae), Labcorp
Classification: Uncertain significance. Last evaluated: 2025-10-18. Review status: criteria provided, single submitter. Criteria: Invitae Variant Classification Sherloc (09022015). Collection method: clinical testing. Allele origin: germline.
Comment: This variant, c.499_507dup, results in the insertion of 3 amino acid(s) of the TBXA2R protein (p.Pro167_Leu169dup), but otherwise preserves the integrity of the reading frame. This variant is present in population databases (no rsID available, gnomAD 0.003%). This variant has not been reported in the literature in individuals affected with TBXA2R-related conditions. In summary, the available evidence is currently insufficient to determine the role of this variant in disease. Therefore, it has been classified as a Variant of Uncertain Significance.